The following is an entry in ClinVar:

NM_001430.5(EPAS1):c.1035-7C>G

Gene: EPAS1 (endothelial PAS domain protein 1; plus strand). Cytogenetic location: 2p21.
Variant type: single nucleotide variant.
Coding change: c.1035-7C>G on transcript NM_001430.5 (MANE Select); 7 bases into the intron before coding-DNA position 1035, C replaced by G.
Molecular consequence: intron variant.
Genome position (GRCh38, 1-based): chr2:46,376,532, C>G. VCF-style: chr2-46376532-C-G. GRCh37 (hg19) VCF-style: chr2-46603671-C-G.
Other names: p.?.
Identifiers: ClinVar variation 336258 (VCV000336258.21), dbSNP rs7557402, ClinGen allele CA1644870.
Genomic context (GRCh38, chr2:46,376,532, plus strand): 5'-GCATCTAGGGGAGCAGAATTTTTCTAGAAAATGTGGAAAGTCTGAATGGCTCTTTCCCCC[C>G]CATTAGTGAGATTGAGAAGAATGACGTGGTGTTCTCCATGGACCAGACTGAATCCCTGTT-3'

ClinVar aggregate classification (germline): drug response. Review status: reviewed by expert panel (3 of 4 stars). 9 submissions from 9 submitters: drug response (1). 8 of the submissions do not count toward it. Last evaluated 2022-12-02.

Conditions:
Erythrocytosis, familial, 4 (ECYT4). Identifiers: Orphanet 247511, MedGen C2673187, MONDO:0012729, OMIM 611783.
sorafenib response - Toxicity.
EPAS1-related disorder. Also called: EPAS1-related condition.

Allele frequency attached by ClinVar (database versions not stated): 1000 Genomes Project 30x 0.31059; 1000 Genomes Project 0.31250; TOPMed 0.38095; ESP Exome Variant Server 0.42911.
gnomAD v4.1: 756,753 of 1,613,218 alleles (47%); highest among the groups gnomAD compares: Non-Finnish European, 51%; 184,991 homozygotes.

Submissions (10):

ClinPGx
Classification: drug response for sorafenib response - Toxicity. Last evaluated: 2022-12-02. Review status: reviewed by expert panel. Criteria: Pharmacogenomics knowledge for personalized medicine. Collection method: curation. Allele origin: germline. Affected: yes.
Comment: PharmGKB Level of Evidence 2B: Variants in Level 2B clinical annotations are not in PharmGKB’s Tier 1 VIPs. These clinical annotations describe variant-drug combinations with a moderate level of evidence supporting the association. For example, the association may be found in multiple cohorts, but there may be a minority of studies that do not support the majority assertion. Level 2B clinical annotations must be supported by at least two independent publications.

Drug is not necessarily used to treat response condition

Labcorp Genetics (formerly Invitae), Labcorp
Classification: Benign. Last evaluated: 2026-02-04. Review status: criteria provided, single submitter. Criteria: Invitae Variant Classification Sherloc (09022015). Collection method: clinical testing. Allele origin: germline. Not counted in ClinVar's aggregate classification.

ARUP Laboratories, Molecular Genetics and Genomics, ARUP Laboratories
Classification: Benign for Erythrocytosis, familial, 4. Last evaluated: 2025-07-30. Review status: criteria provided, single submitter. Criteria: ARUP Molecular Germline Variant Investigation Process 2024. Collection method: clinical testing. Allele origin: germline. Not counted in ClinVar's aggregate classification.

Blueprint Genetics
Classification: Benign. Last evaluated: 2024-11-26. Review status: criteria provided, single submitter. Criteria: ACMG Guidelines, 2015. Collection method: clinical testing. Allele origin: germline. Not counted in ClinVar's aggregate classification.

Mayo Clinic Laboratories, Mayo Clinic
Classification: Benign. Last evaluated: 2022-10-21. Review status: criteria provided, single submitter. Criteria: ACMG Guidelines, 2015. Collection method: clinical testing. Allele origin: germline. Observed: 195 variant alleles. Not counted in ClinVar's aggregate classification.

GeneDx
Classification: Benign. Last evaluated: 2018-06-22. Review status: criteria provided, single submitter. Criteria: GeneDx Variant Classification Process June 2021. Collection method: clinical testing. Allele origin: germline. Affected: yes. Not counted in ClinVar's aggregate classification.

Illumina Laboratory Services, Illumina
Classification: Benign for Erythrocytosis, familial, 4. Last evaluated: 2018-01-13. Review status: criteria provided, single submitter. Criteria: ICSL Variant Classification Criteria 13 December 2019. Collection method: clinical testing. Allele origin: germline. Not counted in ClinVar's aggregate classification.
Comment: This variant was observed in the ICSL laboratory as part of a predisposition screen in an ostensibly healthy population. It had not been previously curated by ICSL or reported in the Human Gene Mutation Database (HGMD: prior to June 1st, 2018), and was therefore a candidate for classification through an automated scoring system. Utilizing variant allele frequency, disease prevalence and penetrance estimates, and inheritance mode, an automated score was calculated to assess if this variant is too frequent to cause the disease. Based on the score and internal cut-off values, a variant classified as benign is not then subjected to further curation. The score for this variant resulted in a classification of benign for this disease.

Breakthrough Genomics
Classification: Benign. Review status: criteria provided, single submitter. Criteria: ACMG Guidelines, 2015. Collection method: not provided. Allele origin: germline. Inheritance: Autosomal dominant inheritance. Affected: yes. Not counted in ClinVar's aggregate classification.

PreventionGenetics, part of Exact Sciences
Classification: Benign for EPAS1-related condition. Last evaluated: 2019-04-04. Review status: no assertion criteria provided. Collection method: clinical testing. Allele origin: germline. Not counted in ClinVar's aggregate classification.
Comment: This variant is classified as benign based on ACMG/AMP sequence variant interpretation guidelines (Richards et al. 2015 PMID: 25741868, with internal and published modifications).

Dr. Peter K. Rogan Lab, Western University
No classification provided (evidence only). Condition: Hepatocellular carcinoma. Review status: no classification provided. Collection method: in vitro. Allele origin: not applicable. Functional consequence: retained intron. Not counted in ClinVar's aggregate classification.

Literature cited by the submitters: PubMed 35484400 (cited by ClinPGx).